The following is an entry in ClinVar:

NM_024876.4(COQ8B):c.1488C>T (p.Phe496=)

Gene: COQ8B (coenzyme Q8B; minus strand). Cytogenetic location: 19q13.2.
Variant type: single nucleotide variant.
Coding change: c.1488C>T on transcript NM_024876.4 (MANE Select); coding-DNA position 1488, C replaced by T.
Protein change: p.Phe496=; no amino-acid change (phenylalanine 496 retained).
Molecular consequence: synonymous variant.
Genome position (GRCh38, 1-based): chr19:40,692,182, G>A on the plus strand (C>T on the coding strand, the complement: COQ8B is on the minus strand). VCF-style: chr19-40692182-G-A. GRCh37 (hg19) VCF-style: chr19-41198087-G-A.
Other names: c.1365C>T, p.Phe455= (NM_001142555.3); c.1488C>T (NM_024876.3).
Identifiers: ClinVar variation 1922624 (VCV001922624.6), dbSNP rs761401672, ClinGen allele CA9449990.

ClinVar aggregate classification (germline): Conflicting classifications of pathogenicity. Review status: criteria provided, conflicting classifications (1 of 4 stars). 2 submissions from 2 submitters: Uncertain significance (1); Likely benign (1). Last evaluated 2025-06-05.

Allele frequency attached by ClinVar (database versions not stated): TOPMed below 0.00001; gnomAD exomes 0.00001; ExAC 0.00002; gnomAD 0.00002.
gnomAD v4.1: 16 of 1,595,920 alleles (0.001%); highest among the groups gnomAD compares: African/African-American, 0.0013%; no homozygotes.

Submissions (2):

GeneDx
Classification: Uncertain significance. Last evaluated: 2025-06-05. Review status: criteria provided, single submitter. Criteria: GeneDx Variant Classification Process June 2021. Collection method: clinical testing. Allele origin: germline. Affected: yes.
Comment: Not observed at significant frequency in large population cohorts (gnomAD); In silico analysis suggests that this variant does not alter splicing; Has not been previously published as pathogenic or benign to our knowledge

Labcorp Genetics (formerly Invitae), Labcorp
Classification: Likely benign. Last evaluated: 2022-06-27. Review status: criteria provided, single submitter. Criteria: Invitae Variant Classification Sherloc (09022015). Collection method: clinical testing. Allele origin: germline.